The following is an entry in ClinVar:

NM_000435.3(NOTCH3):c.438C>G (p.Cys146Trp)

Gene: NOTCH3 (notch receptor 3; minus strand). Cytogenetic location: 19p13.12.
Variant type: single nucleotide variant.
Coding change: c.438C>G on transcript NM_000435.3 (MANE Select); coding-DNA position 438, C replaced by G.
Protein change: p.Cys146Trp; replaces cysteine 146 with tryptophan.
Molecular consequence: missense variant.
Genome position (GRCh38, 1-based): chr19:15,192,201, G>C on the plus strand (C>G on the coding strand, the complement: NOTCH3 is on the minus strand). VCF-style: chr19-15192201-G-C. GRCh37 (hg19) VCF-style: chr19-15303012-G-C.
Other names: short protein forms C146W.
Identifiers: ClinVar variation 4072414 (VCV004072414.1).
Genomic context (GRCh38, chr19:15,192,201, plus strand): 5'-CTCACCCACCCGGCACTCATCCACGTCGCTTCGGCAGCTGCGGCCCTGGTAGCCAGGTGG[G>C]CAGGAGCAGAGGAAGCGTCCATCGGGCCCCACTGAGCAGCGGGCACCGTGGGCACAAGGG-3'
Protein context (NP_000426.2, residues 136-156): VGPDGRFLCS[Cys146Trp]PPGYQGRSCR

ClinVar aggregate classification (germline): Likely pathogenic (1 of 4 stars; one submission).

Conditions:
Cerebral arteriopathy, autosomal dominant, with subcortical infarcts and leukoencephalopathy, type 1 (CADASIL1). Also called: CADASIL 1; CASIL; Cerebral arteriopathy with subcortical infarcts and leukoencephalopathy 1; DEMENTIA, HEREDITARY MULTIINFARCT TYPE. Identifiers: Orphanet 136, MedGen C4551768, MONDO:0000914, OMIM 125310.

Submission:

Department of General Medicine, Faculty of Medicine, Juntendo University
Classification: Likely pathogenic for Cerebral arteriopathy, autosomal dominant, with subcortical infarcts and leukoencephalopathy, type 1. Last evaluated: 2025-07-06. Review status: criteria provided, single submitter. Criteria: ACMG Guidelines, 2015. Collection method: clinical testing. Allele origin: germline. Inheritance: Autosomal dominant inheritance. Affected: yes. Observed: 1 heterozygote.
Comment: The variant c.438C>G (p.Cys146Trp) in NOTCH3 is classified as likely pathogenic based on multiple lines of evidence: previously reported pathogenicity in PubMed literature (PMID:22688109, 28991717, 32277177), very low allele frequency in East Asian population (PM2_supporting), deleterious prediction by REVEL (PP3), location in a critical cysteine residue in EGF-like domain (PM1_strong), and detection in probands (PS4_moderate). The variant segregates with CADASIL phenotype, an autosomal dominant inherited condition.

Literature cited by the submitters: PubMed 22688109; PubMed 28991717; PubMed 32277177.